The following is an entry in ClinVar:

ClinVar aggregate classification (germline): Uncertain significance (1 of 4 stars; one submission).

Submission:

Labcorp Genetics (formerly Invitae), Labcorp
Classification: Uncertain significance. Last evaluated: 2025-04-16. Review status: criteria provided, single submitter. Criteria: Invitae Variant Classification Sherloc (09022015). Collection method: clinical testing. Allele origin: germline.
Comment: This sequence change replaces aspartic acid, which is acidic and polar, with valine, which is neutral and non-polar, at codon 255 of the PHEX protein (p.Asp255Val). This variant is not present in population databases (gnomAD no frequency). This variant has not been reported in the literature in individuals affected with PHEX-related conditions. ClinVar contains an entry for this variant (Variation ID: 2858573). Invitae Evidence Modeling of protein sequence and biophysical properties (such as structural, functional, and spatial information, amino acid conservation, physicochemical variation, residue mobility, and thermodynamic stability) has been performed for this missense variant. However, the output from this modeling did not meet the statistical confidence thresholds required to predict the impact of this variant on PHEX protein function. In summary, the available evidence is currently insufficient to determine the role of this variant in disease. Therefore, it has been classified as a Variant of Uncertain Significance.

NM_000444.6(PHEX):c.764A>T (p.Asp255Val)

Gene: PHEX (phosphate regulating endopeptidase X-linked; plus strand). Cytogenetic location: Xp22.11.
Variant type: single nucleotide variant.
Coding change: c.764A>T on transcript NM_000444.6 (MANE Select); coding-DNA position 764, A replaced by T.
Protein change: p.Asp255Val; replaces aspartic acid 255 with valine.
Molecular consequence: missense variant.
Genome position (GRCh38, 1-based): chrX:22,094,014, A>T. VCF-style: chrX-22094014-A-T. GRCh37 (hg19) VCF-style: chrX-22112132-A-T.
Other names: c.764A>T, p.Asp255Val (NM_001282754.2); short protein forms D255V.
Identifiers: ClinVar variation 2858573 (VCV002858573.3), dbSNP rs2519772067, ClinGen allele CA412572326.